The following is an entry in ClinVar:

ClinVar aggregate classification (germline): Conflicting classifications of pathogenicity. Review status: criteria provided, conflicting classifications (1 of 4 stars). 5 submissions from 5 submitters: Uncertain significance (3); Likely benign (1). 1 of the submissions does not count toward it. Last evaluated 2025-12-08.

Conditions:
ROGDI-related disorder. Also called: ROGDI-related condition.
Amelocerebrohypohidrotic syndrome (KTZS). Also called: KOHLSCHUTTER SYNDROME; Kohlschutter's syndrome; EPILEPSY AND YELLOW TEETH; EPILEPSY, DEMENTIA, AND AMELOGENESIS IMPERFECTA. Identifiers: Orphanet 1946, MedGen C0406740, MONDO:0009185, OMIM 226750.

Allele frequency attached by ClinVar (database versions not stated): gnomAD exomes 0.00012; ExAC 0.00016; TOPMed 0.00049; ESP Exome Variant Server 0.00077; gnomAD 0.00148 and 0.00168.
gnomAD v4.1: 125 of 1,225,456 alleles (0.01%); highest among the groups gnomAD compares: African/African-American, 0.28%; no homozygotes.

Submissions (5):

Labcorp Genetics (formerly Invitae), Labcorp
Classification: Likely benign for Amelocerebrohypohidrotic syndrome. Last evaluated: 2025-12-08. Review status: criteria provided, single submitter. Criteria: Invitae Variant Classification Sherloc (09022015). Collection method: clinical testing. Allele origin: germline.

CeGaT Center for Human Genetics Tuebingen
Classification: Uncertain significance. Last evaluated: 2024-11-01. Review status: criteria provided, single submitter. Criteria: CeGaT Center For Human Genetics Tuebingen Variant Classification Criteria Version 2. Collection method: clinical testing. Allele origin: germline. Affected: yes. Observed: 1 variant allele.
Comment: ROGDI: PM2, BP4

Blueprint Genetics
Classification: Uncertain significance. Last evaluated: 2023-08-30. Review status: criteria provided, single submitter. Criteria: ACMG Guidelines, 2015. Collection method: clinical testing. Allele origin: germline.

Center for Genomics, Ann and Robert H. Lurie Children's Hospital of Chicago
Classification: Uncertain significance for Amelocerebrohypohidrotic syndrome. Last evaluated: 2022-08-18. Review status: criteria provided, single submitter. Criteria: ACMG Guidelines, 2015. Collection method: clinical testing. Allele origin: germline.
Comment: This variant has not been reported in the literature but is present in the Genome Aggregation Database (Highest reported MAF 0.2% (34/16696). This variant is present in ClinVar (Variation ID:416250). Evolutionary conservation and computational predictive tools for this variant are limited or unavailable. This variant is an intronic variant with no predicted change in the amino acid sequence but may have an unknown effect on splicing. Splice prediction tools do not suggest that this variant may affect splicing. However, further studies are needed to understand its impact. In summary, data on this variant is insufficient for disease classification. Therefore, the clinical significance of this variant is uncertain.

PreventionGenetics, part of Exact Sciences
Classification: Likely benign for ROGDI-related condition. Last evaluated: 2022-04-11. Review status: no assertion criteria provided. Collection method: clinical testing. Allele origin: germline. Not counted in ClinVar's aggregate classification.
Comment: This variant is classified as likely benign based on ACMG/AMP sequence variant interpretation guidelines (Richards et al. 2015 PMID: 25741868, with internal and published modifications).

NM_024589.3(ROGDI):c.822+8C>T

Gene: ROGDI (rogdi atypical leucine zipper; minus strand). Cytogenetic location: 16p13.3.
Variant type: single nucleotide variant.
Coding change: c.822+8C>T on transcript NM_024589.3 (MANE Select); 8 bases into the intron after coding-DNA position 822, C replaced by T.
Molecular consequence: intron variant.
Genome position (GRCh38, 1-based): chr16:4,797,706, G>A on the plus strand (C>T on the coding strand, the complement: ROGDI is on the minus strand). VCF-style: chr16-4797706-G-A. GRCh37 (hg19) VCF-style: chr16-4847707-G-A.
Identifiers: ClinVar variation 416250 (VCV000416250.29), dbSNP rs376868221, ClinGen allele CA7882469.